The following is an entry in ClinVar:

ClinVar aggregate classification (germline): Uncertain significance (1 of 4 stars; one submission).

gnomAD v4.1: 1 of 1,614,104 alleles (0.000062%); highest among the groups gnomAD compares: Non-Finnish European, 0.000085%; no homozygotes.

Submission:

Labcorp Genetics (formerly Invitae), Labcorp
Classification: Uncertain significance. Last evaluated: 2025-12-20. Review status: criteria provided, single submitter. Criteria: Invitae Variant Classification Sherloc (09022015). Collection method: clinical testing. Allele origin: germline.
Comment: This sequence change replaces proline, which is neutral and non-polar, with leucine, which is neutral and non-polar, at codon 745 of the COL4A1 protein (p.Pro745Leu). This variant is not present in population databases (gnomAD no frequency). This variant has not been reported in the literature in individuals affected with COL4A1-related conditions. Invitae Evidence Modeling of protein sequence and biophysical properties (such as structural, functional, and spatial information, amino acid conservation, physicochemical variation, residue mobility, and thermodynamic stability) indicates that this missense variant is not expected to disrupt COL4A1 protein function with a negative predictive value of 95%. In summary, the available evidence is currently insufficient to determine the role of this variant in disease. Therefore, it has been classified as a Variant of Uncertain Significance.

NM_001845.6(COL4A1):c.2234C>T (p.Pro745Leu)

Gene: COL4A1 (collagen type IV alpha 1 chain; minus strand). Cytogenetic location: 13q34.
Variant type: single nucleotide variant.
Coding change: c.2234C>T on transcript NM_001845.6 (MANE Select); coding-DNA position 2234, C replaced by T.
Protein change: p.Pro745Leu; replaces proline 745 with leucine.
Molecular consequence: missense variant.
Genome position (GRCh38, 1-based): chr13:110,179,381, G>A on the plus strand (C>T on the coding strand, the complement: COL4A1 is on the minus strand). VCF-style: chr13-110179381-G-A. GRCh37 (hg19) VCF-style: chr13-110831728-G-A.
Other names: short protein forms P745L.
Identifiers: ClinVar variation 4746046 (VCV004746046.1).